The following is an entry in ClinVar:

ClinVar aggregate classification (germline): Uncertain significance (1 of 4 stars; one submission).

Allele frequency attached by ClinVar (database versions not stated): TOPMed below 0.00001.
gnomAD v4.1: 1 of 1,613,898 alleles (0.000062%); highest among the groups gnomAD compares: Admixed American, 0.0017%; no homozygotes.

Submission:

Labcorp Genetics (formerly Invitae), Labcorp
Classification: Uncertain significance. Last evaluated: 2023-06-15. Review status: criteria provided, single submitter. Criteria: Invitae Variant Classification Sherloc (09022015). Collection method: clinical testing. Allele origin: germline.
Comment: This sequence change replaces tryptophan, which is neutral and slightly polar, with arginine, which is basic and polar, at codon 315 of the FLRT3 protein (p.Trp315Arg). This variant is present in population databases (no rsID available, gnomAD 0.003%). This variant has not been reported in the literature in individuals affected with FLRT3-related conditions. Advanced modeling of protein sequence and biophysical properties (such as structural, functional, and spatial information, amino acid conservation, physicochemical variation, residue mobility, and thermodynamic stability) performed at Invitae indicates that this missense variant is expected to disrupt FLRT3 protein function. In summary, the available evidence is currently insufficient to determine the role of this variant in disease. Therefore, it has been classified as a Variant of Uncertain Significance.

NM_198391.3(FLRT3):c.943T>A (p.Trp315Arg)

Genes: MACROD2 (mono-ADP ribosylhydrolase 2; plus strand), FLRT3 (fibronectin leucine rich transmembrane protein 3; minus strand). Cytogenetic location: 20p12.1.
Variant type: single nucleotide variant.
Coding change: c.943T>A on transcript NM_198391.3 (MANE Select); coding-DNA position 943, T replaced by A.
Protein change: p.Trp315Arg; replaces tryptophan 315 with arginine.
Molecular consequence: missense variant. On other transcripts: intron variant (3).
Genome position (GRCh38, 1-based): chr20:14,326,564, A>T on the plus strand (T>A on the coding strand, the complement: FLRT3 is on the minus strand). VCF-style: chr20-14326564-A-T. GRCh37 (hg19) VCF-style: chr20-14307210-A-T.
Other names: c.943T>A, p.Trp315Arg (NM_013281.4); c.272-166915A>T (NM_001351661.2, NM_001351663.2, NM_080676.6); short protein forms W315R.
Identifiers: ClinVar variation 2716845 (VCV002716845.3), dbSNP rs1397000009, ClinGen allele CA408296857.
Genomic context (GRCh38, chr20:14,326,564, plus strand): 5'-GGCACATGAGCCCACGCACGTTGACCTTCACAGGTAGTGATTGTAACCAGTCACGTACCC[A>T]TTTCATCTTGCACCCGCAATACCAGGGATTGTTGCGAAGAATCAGTTGTGTTATATTGTC-3'
Protein context (NP_938205.1, residues 305-325): NPWYCGCKMK[Trp315Arg]VRDWLQSLPV